The following is an entry in ClinVar:

NM_000264.5(PTCH1):c.544G>A (p.Ala182Thr)

Gene: PTCH1 (patched 1; minus strand). Cytogenetic location: 9q22.32.
Variant type: single nucleotide variant.
Coding change: c.544G>A on transcript NM_000264.5 (MANE Select); coding-DNA position 544, G replaced by A.
Protein change: p.Ala182Thr; replaces alanine 182 with threonine.
Molecular consequence: missense variant. On other transcripts: non-coding transcript variant (1).
Genome position (GRCh38, 1-based): chr9:95,485,725, C>T on the plus strand (G>A on the coding strand, the complement: PTCH1 is on the minus strand). VCF-style: chr9-95485725-C-T. GRCh37 (hg19) VCF-style: chr9-98248007-C-T.
Other names: c.544G>A (NM_000264.3); c.346G>A, p.Ala116Thr (NM_001083602.3, NM_001354919.2); c.541G>A, p.Ala181Thr (NM_001083603.3); c.91G>A, p.Ala31Thr (NM_001083604.3, NM_001083605.3, NM_001083606.3 and 1 more transcripts); c.544G>A, p.Ala182Thr (NM_001354918.2); short protein forms A31T, A116T, A182T, A181T.
Identifiers: ClinVar variation 1399910 (VCV001399910.10), dbSNP rs2118539440, ClinGen allele CA374116744.
Genomic context (GRCh38, chr9:95,485,725, plus strand): 5'-GTGGACGCGGCGGGCCTTACCTGTTGTACATGTATACATGGACACGGCTGGCCTGGAGTG[C>T]CGAGTCCAGGTGTTGTAGGAGCGCTTCTGTGGTCAGGACATTAGCACCTTCTTCTTTAGG-3'
Protein context (NP_000255.2, residues 172-192): TEALLQHLDS[Ala182Thr]LQASRVHVYM

ClinVar aggregate classification (germline): Uncertain significance. Review status: criteria provided, multiple submitters, no conflicts (2 of 4 stars). 2 submissions from 2 submitters: Uncertain significance (2). Last evaluated 2023-10-10.

Conditions:
Hereditary cancer-predisposing syndrome. Also called: Neoplastic Syndromes, Hereditary; Hereditary neoplastic syndrome; Hereditary Cancer Syndrome; Tumor predisposition. Identifiers: Orphanet 140162, MedGen C0027672, MeSH D009386, MONDO:0015356.
Gorlin syndrome. Also called: Nevoid Basal Cell Carcinoma Syndrome; Basal cell nevus syndrome. Identifiers: Orphanet 377, MedGen C0004779, MONDO:0007187.

Submissions (2):

Ambry Genetics
Classification: Uncertain significance for Hereditary cancer-predisposing syndrome. Last evaluated: 2023-10-10. Review status: criteria provided, single submitter. Criteria: Ambry Variant Classification Scheme 2023. Collection method: clinical testing. Allele origin: germline.
Comment: The p.A182T variant (also known as c.544G>A), located in coding exon 3 of the PTCH1 gene, results from a G to A substitution at nucleotide position 544. The alanine at codon 182 is replaced by threonine, an amino acid with similar properties. This amino acid position is conserved. In addition, the in silico prediction for this alteration is inconclusive. Since supporting evidence is limited at this time, the clinical significance of this alteration remains unclear.

Labcorp Genetics (formerly Invitae), Labcorp
Classification: Uncertain significance for Gorlin syndrome. Last evaluated: 2021-09-20. Review status: criteria provided, single submitter. Criteria: Invitae Variant Classification Sherloc (09022015). Collection method: clinical testing. Allele origin: germline.
Comment: Advanced modeling of protein sequence and biophysical properties (such as structural, functional, and spatial information, amino acid conservation, physicochemical variation, residue mobility, and thermodynamic stability) performed at Invitae indicates that this missense variant is not expected to disrupt PTCH1 protein function. In summary, the available evidence is currently insufficient to determine the role of this variant in disease. Therefore, it has been classified as a Variant of Uncertain Significance. This variant has not been reported in the literature in individuals affected with PTCH1-related conditions. This variant is not present in population databases (ExAC no frequency). This sequence change replaces alanine with threonine at codon 182 of the PTCH1 protein (p.Ala182Thr). The alanine residue is moderately conserved and there is a small physicochemical difference between alanine and threonine.